The following is an entry in ClinVar:

NM_024580.6(EFL1):c.880G>T (p.Val294Leu)

Gene: EFL1 (elongation factor like GTPase 1; minus strand). Cytogenetic location: 15q25.2.
Variant type: single nucleotide variant.
Coding change: c.880G>T on transcript NM_024580.6 (MANE Select); coding-DNA position 880, G replaced by T.
Protein change: p.Val294Leu; replaces valine 294 with leucine.
Molecular consequence: missense variant. On other transcripts: non-coding transcript variant (1).
Genome position (GRCh38, 1-based): chr15:82,229,086, C>A on the plus strand (G>T on the coding strand, the complement: EFL1 is on the minus strand). VCF-style: chr15-82229086-C-A. GRCh37 (hg19) VCF-style: chr15-82521427-C-A.
Other names: c.727G>T, p.Val243Leu (NM_001040610.3); c.91G>T, p.Val31Leu (NM_001322844.2); c.880G>T, p.Val294Leu (NM_001322845.2); short protein forms V243L, V294L, V31L.
Identifiers: ClinVar variation 2909840 (VCV002909840.2), dbSNP rs781374902, ClinGen allele CA7698156.

ClinVar aggregate classification (germline): Uncertain significance (1 of 4 stars; one submission).

Allele frequency attached by ClinVar (database versions not stated): ExAC 0.00001; gnomAD 0.00002; gnomAD exomes 0.00002; TOPMed 0.00003.
gnomAD v4.1: 26 of 1,611,130 alleles (0.0016%); highest among the groups gnomAD compares: African/African-American, 0.0027%; no homozygotes.

Submission:

Labcorp Genetics (formerly Invitae), Labcorp
Classification: Uncertain significance. Last evaluated: 2023-12-07. Review status: criteria provided, single submitter. Criteria: Invitae Variant Classification Sherloc (09022015). Collection method: clinical testing. Allele origin: germline.
Comment: This sequence change replaces valine, which is neutral and non-polar, with leucine, which is neutral and non-polar, at codon 294 of the EFL1 protein (p.Val294Leu). This variant is present in population databases (rs781374902, gnomAD 0.007%). This variant has not been reported in the literature in individuals affected with EFL1-related conditions. Advanced modeling of protein sequence and biophysical properties (such as structural, functional, and spatial information, amino acid conservation, physicochemical variation, residue mobility, and thermodynamic stability) performed at Invitae indicates that this missense variant is expected to disrupt EFL1 protein function with a positive predictive value of 80%. Algorithms developed to predict the effect of sequence changes on RNA splicing suggest that this variant may disrupt the consensus splice site. In summary, the available evidence is currently insufficient to determine the role of this variant in disease. Therefore, it has been classified as a Variant of Uncertain Significance.